The following is an entry in ClinVar:

NM_018474.6(KIZ):c.536C>G (p.Ser179Cys)

Gene: KIZ (kizuna centrosomal protein; plus strand). Cytogenetic location: 20p11.23.
Variant type: single nucleotide variant.
Coding change: c.536C>G on transcript NM_018474.6 (MANE Select); coding-DNA position 536, C replaced by G.
Protein change: p.Ser179Cys; replaces serine 179 with cysteine.
Molecular consequence: missense variant.
Genome position (GRCh38, 1-based): chr20:21,162,001, C>G. VCF-style: chr20-21162001-C-G. GRCh37 (hg19) VCF-style: chr20-21142642-C-G.
Other names: c.227C>G, p.Ser76Cys (NM_001163022.3, NM_001352435.2); c.137C>G, p.Ser46Cys (NM_001163023.3); c.389C>G, p.Ser130Cys (NM_001276389.2); c.536C>G, p.Ser179Cys (NM_001352434.2); c.194C>G, p.Ser65Cys (NM_001352436.2); short protein forms S46C, S76C, S130C, S179C, S65C.
Identifiers: ClinVar variation 1957121 (VCV001957121.4), dbSNP rs2519754100, ClinGen allele CA408491680.

ClinVar aggregate classification (germline): Uncertain significance (1 of 4 stars; one submission).

Submission:

Labcorp Genetics (formerly Invitae), Labcorp
Classification: Uncertain significance. Last evaluated: 2022-11-01. Review status: criteria provided, single submitter. Criteria: Invitae Variant Classification Sherloc (09022015). Collection method: clinical testing. Allele origin: germline.
Comment: This variant is not present in population databases (gnomAD no frequency). This sequence change replaces serine, which is neutral and polar, with cysteine, which is neutral and slightly polar, at codon 179 of the KIZ protein (p.Ser179Cys). In summary, the available evidence is currently insufficient to determine the role of this variant in disease. Therefore, it has been classified as a Variant of Uncertain Significance. Experimental studies and prediction algorithms are not available or were not evaluated, and the functional significance of this variant is currently unknown. This variant has not been reported in the literature in individuals affected with KIZ-related conditions.